The following is an entry in ClinVar:

ClinVar aggregate classification (germline): Likely benign. Review status: criteria provided, multiple submitters, no conflicts (2 of 4 stars). 3 submissions from 3 submitters: Likely benign (3). Last evaluated 2025-12-03.

Conditions:
Paramyotonia congenita of Von Eulenburg. Also called: PARALYSIS PERIODICA PARAMYOTONICA; Eulenburg disease; Myotonia congenita intermittens; Von Eulenburg paramyotonia congenita; Paramyotonia Congenita. Identifiers: Orphanet 684, MedGen C0221055, MONDO:0008195, OMIM 168300. Disease mechanism: loss of function.
Hypokalemic periodic paralysis, type 2 (HOKPP2). Identifiers: Orphanet 681, MedGen C2750061, MONDO:0013234, OMIM 613345.
Hyperkalemic periodic paralysis. Also called: Familial hyperkalemic periodic paralysis; Gamstorp disease. Identifiers: Orphanet 682, MedGen C0238357, MONDO:0008224, OMIM 170500, HP:0007215.
Hypokalemic periodic paralysis, type 1. Also called: Hypokalemic Periodic Paralysis Type 1 (AD); HypoPP. Identifiers: Orphanet 681, MedGen C3714580, MONDO:0042979, OMIM 170400.
Potassium-aggravated myotonia. Also called: MYOTONIA CONGENITA, ACETAZOLAMIDE-RESPONSIVE; MYOTONIA CONGENITA, ATYPICAL; SODIUM CHANNEL MUSCLE DISEASE; Myotonia congenita, atypical, acetazolamide-responsive. Identifiers: Orphanet 612, Orphanet 99734, Orphanet 99735, Orphanet 99736, MedGen C2931826, MONDO:0018959, OMIM 608390.
Congenital myasthenic syndrome 16. Identifiers: Orphanet 590, MedGen C3280112, MONDO:0013620, OMIM 614198.

Allele frequency attached by ClinVar (database versions not stated): TOPMed 0.00016; ESP Exome Variant Server 0.00023; ExAC 0.00005.
gnomAD v4.1: 53 of 1,612,400 alleles (0.0033%); highest among the groups gnomAD compares: African/African-American, 0.036%; no homozygotes.

Submissions (3):

Labcorp Genetics (formerly Invitae), Labcorp
Classification: Likely benign for Hyperkalemic periodic paralysis. Last evaluated: 2025-12-03. Review status: criteria provided, single submitter. Criteria: Invitae Variant Classification Sherloc (09022015). Collection method: clinical testing. Allele origin: germline.

Athena Diagnostics
Classification: Likely benign. Last evaluated: 2025-03-27. Review status: criteria provided, single submitter. Criteria: Athena Diagnostics Criteria. Collection method: clinical testing. Allele origin: unknown.
Comment: Computational tools yielded predictions that this variant is unlikely to have an effect on normal RNA splicing. This nucleotide position exhibits low evolutionary conservation. This variant has been seen where an alternate explanation for disease was also identified.

Fulgent Genetics
Classification: Likely benign for Paramyotonia congenita of Von Eulenburg; Hypokalemic periodic paralysis, type 1; Hyperkalemic periodic paralysis; Potassium-aggravated myotonia; Hypokalemic periodic paralysis, type 2; Congenital myasthenic syndrome 16. Last evaluated: 2022-01-25. Review status: criteria provided, single submitter. Criteria: ACMG Guidelines, 2015. Collection method: clinical testing. Allele origin: unknown.

NM_000334.4(SCN4A):c.393-6C>A

Gene: SCN4A (sodium voltage-gated channel alpha subunit 4; minus strand). Cytogenetic location: 17q23.3.
Variant type: single nucleotide variant.
Coding change: c.393-6C>A on transcript NM_000334.4 (MANE Select); 6 bases into the intron before coding-DNA position 393, C replaced by A.
Molecular consequence: intron variant.
Genome position (GRCh38, 1-based): chr17:63,972,231, G>T on the plus strand (C>A on the coding strand, the complement: SCN4A is on the minus strand). VCF-style: chr17-63972231-G-T. GRCh37 (hg19) VCF-style: chr17-62049591-G-T.
Identifiers: ClinVar variation 805392 (VCV000805392.12), dbSNP rs373185863, ClinGen allele CA8710167.